The following is an entry in ClinVar:

NM_002499.4(NEO1):c.2887G>A (p.Val963Ile)

Gene: NEO1 (neogenin 1; plus strand). Cytogenetic location: 15q24.1.
Variant type: single nucleotide variant.
Coding change: c.2887G>A on transcript NM_002499.4 (MANE Select); coding-DNA position 2887, G replaced by A.
Protein change: p.Val963Ile; replaces valine 963 with isoleucine.
Molecular consequence: missense variant.
Genome position (GRCh38, 1-based): chr15:73,272,484, G>A. VCF-style: chr15-73272484-G-A. GRCh37 (hg19) VCF-style: chr15-73564825-G-A.
Other names: c.2887G>A, p.Val963Ile (NM_001172623.2, NM_001172624.2); c.2947G>A, p.Val983Ile (NM_001419531.1); short protein forms V963I, V983I.
Identifiers: ClinVar variation 3054970 (VCV003054970.2), dbSNP rs148148823, ClinGen allele CA7648334.
Genomic context (GRCh38, chr15:73,272,484, plus strand): 5'-AGAAATTATTAAAAATTTTGTTATTTTGTAGTTCCGACTTCTCCACCCAAGGATGTGACT[G>A]TTGTGAGTAAAGAGGGGAAACCTAAGACCATAATTGTGAATTGGCAGCCTCCCTCCGAAG-3'
Protein context (NP_002490.2, residues 953-973): VPTSPPKDVT[Val963Ile]VSKEGKPKTI

ClinVar aggregate classification (germline): Likely benign (0 of 4 stars; one submission).

Conditions:
NEO1-related disorder. Also called: NEO1-related condition.

Allele frequency attached by ClinVar (database versions not stated): gnomAD exomes 0.00006; ExAC 0.00026; 1000 Genomes Project 30x 0.00047; ESP Exome Variant Server 0.00054; 1000 Genomes Project 0.00060; gnomAD 0.00066; TOPMed 0.00071.
gnomAD v4.1: 194 of 1,614,064 alleles (0.012%); highest among the groups gnomAD compares: African/African-American, 0.21%; no homozygotes.

Submission:

PreventionGenetics, part of Exact Sciences
Classification: Likely benign for NEO1-related condition. Last evaluated: 2022-07-06. Review status: no assertion criteria provided. Collection method: clinical testing. Allele origin: germline.
Comment: This variant is classified as likely benign based on ACMG/AMP sequence variant interpretation guidelines (Richards et al. 2015 PMID: 25741868, with internal and published modifications).